The following is an entry in ClinVar:

ClinVar aggregate classification (germline): Likely benign (1 of 4 stars; one submission).

gnomAD v4.1: 4 of 1,614,020 alleles (0.00025%); highest among the groups gnomAD compares: Non-Finnish European, 0.00034%; no homozygotes.

Submission:

CeGaT Center for Human Genetics Tuebingen
Classification: Likely benign. Last evaluated: 2022-07-01. Review status: criteria provided, single submitter. Criteria: CeGaT Center For Human Genetics Tuebingen Variant Classification Criteria Version 2. Collection method: clinical testing. Allele origin: germline. Affected: yes. Observed: 1 variant allele.
Comment: IL2RB: BP4, BP7

NM_000878.5(IL2RB):c.1140G>T (p.Val380=)

Gene: IL2RB (interleukin 2 receptor subunit beta; minus strand). Cytogenetic location: 22q12.3.
Variant type: single nucleotide variant.
Coding change: c.1140G>T on transcript NM_000878.5 (MANE Select); coding-DNA position 1140, G replaced by T.
Protein change: p.Val380=; no amino-acid change (valine 380 retained).
Molecular consequence: synonymous variant.
Genome position (GRCh38, 1-based): chr22:37,128,612, C>A on the plus strand (G>T on the coding strand, the complement: IL2RB is on the minus strand). VCF-style: chr22-37128612-C-A. GRCh37 (hg19) VCF-style: chr22-37524652-C-A.
Other names: c.1140G>T, p.Val380= (NM_001346222.1, NM_001346223.2).
Identifiers: ClinVar variation 1701437 (VCV001701437.31), dbSNP rs775624588, ClinGen allele CA514586149.